The following is an entry in ClinVar:

ClinVar aggregate classification (germline): Pathogenic. Review status: criteria provided, multiple submitters, no conflicts (2 of 4 stars). 3 submissions from 3 submitters: Pathogenic (3). Last evaluated 2026-01-14.

Conditions:
Hereditary cancer-predisposing syndrome. Also called: Hereditary neoplastic syndrome; Neoplastic Syndromes, Hereditary; Tumor predisposition; Hereditary Cancer Syndrome. Identifiers: Orphanet 140162, MedGen C0027672, MeSH D009386, MONDO:0015356.
Hereditary breast ovarian cancer syndrome. Also called: Hereditary breast and ovarian cancer syndrome (HBOC); Hereditary breast and ovarian cancer; Breast and ovarian cancer; Hereditary breast and/or ovarian cancer syndrome; BRCA1- and BRCA2-Associated Hereditary Breast and Ovarian Cancer; Hereditary breast and ovarian cancer syndrome. Identifiers: Orphanet 145, MedGen C0677776, MeSH D061325, MONDO:0003582. Disease mechanism: loss of function.

Submissions (3):

Ambry Genetics
Classification: Pathogenic for Hereditary cancer-predisposing syndrome. Last evaluated: 2026-01-14. Review status: criteria provided, single submitter. Criteria: Ambry Variant Classification Scheme 2023. Collection method: clinical testing. Allele origin: germline.
Comment: The c.6645delC pathogenic mutation, located in coding exon 10 of the BRCA2 gene, results from a deletion of one nucleotide at nucleotide position 6645, causing a translational frameshift with a predicted alternate stop codon (p.S2216Pfs*13). This variant is considered to be rare based on population cohorts in the Genome Aggregation Database (gnomAD). This alteration is expected to result in loss of function by premature protein truncation or nonsense-mediated mRNA decay. As such, this alteration is interpreted as a disease-causing mutation.

Clinical Genetics Laboratory, Skane University Hospital Lund
Classification: Pathogenic. Last evaluated: 2023-05-03. Review status: criteria provided, single submitter. Criteria: ACMG Guidelines, 2015. Collection method: clinical testing. Allele origin: germline. Affected: yes.

Labcorp Genetics (formerly Invitae), Labcorp
Classification: Pathogenic for Hereditary breast ovarian cancer syndrome. Last evaluated: 2022-10-31. Review status: criteria provided, single submitter. Criteria: Invitae Variant Classification Sherloc (09022015). Collection method: clinical testing. Allele origin: germline.
Comment: This variant is not present in population databases (gnomAD no frequency). This sequence change creates a premature translational stop signal (p.Ser2216Profs*13) in the BRCA2 gene. It is expected to result in an absent or disrupted protein product. Loss-of-function variants in BRCA2 are known to be pathogenic (PMID: 20104584). This premature translational stop signal has been observed in individual(s) with prostate cancer, breast and/or ovarian cancer (PMID: 29368341, 30702160). For these reasons, this variant has been classified as Pathogenic.

Literature cited by the submitters: PubMed 20104584 (cited by Labcorp Genetics (formerly Invitae), Labcorp); PubMed 29368341 (cited by Labcorp Genetics (formerly Invitae), Labcorp); PubMed 30702160 (cited by Labcorp Genetics (formerly Invitae), Labcorp).

NM_000059.4(BRCA2):c.6645del (p.Ser2216fs)

Gene: BRCA2 (BRCA2 DNA repair associated; plus strand). Cytogenetic location: 13q13.1.
Variant type: Deletion.
Coding change: c.6645del on transcript NM_000059.4 (MANE Select); coding-DNA position 6645, one base deleted (C; older notation c.6645delC).
Protein change: p.Ser2216fs; shifts the reading frame from serine 2216.
Molecular consequence: frameshift variant.
Genome position (GRCh38, 1-based): chr13:32,341,000, C deleted. VCF-style (leftmost placement, unchanged base first): chr13-32340999-AC-A. GRCh37 (hg19) VCF-style: chr13-32915136-AC-A.
Other names: c.6645delC (NM_000059.3); short protein forms S2216fs.
Identifiers: ClinVar variation 2137482 (VCV002137482.6), dbSNP rs1566235089, ClinGen allele CA658761144.
Genomic context (GRCh38, chr13:32,340,999, plus strand): 5'-GTAAAACTGAAACTTTTTCTGATGTTCCTGTGAAAACAAATATAGAAGTTTGTTCTACTT[AC>A]TCCAAAGATTCAGAAAACTACTTTGAAACAGAAGCAGTAGAAATTGCTAAAGCTTTTATG-3'